The following is an entry in ClinVar:

NM_025077.4(TOE1):c.837C>T (p.Asp279=)

Gene: TOE1 (target of EGR1, exonuclease; plus strand). Cytogenetic location: 1p34.1.
Variant type: single nucleotide variant.
Coding change: c.837C>T on transcript NM_025077.4 (MANE Select); coding-DNA position 837, C replaced by T.
Protein change: p.Asp279=; no amino-acid change (aspartic acid 279 retained).
Molecular consequence: synonymous variant.
Genome position (GRCh38, 1-based): chr1:45,342,927, C>T. VCF-style: chr1-45342927-C-T. GRCh37 (hg19) VCF-style: chr1-45808599-C-T.
Identifiers: ClinVar variation 2084369 (VCV002084369.8), dbSNP rs140152638, ClinGen allele CA826693.
Genomic context (GRCh38, chr1:45,342,927, plus strand): 5'-GGCAGCTGGCAGCCCACACCTTACCCTGGAGTTCTGCAACTATCCTTCCAGCATGAGGGA[C>T]CATATTGATTACCGCTGCTGCCTGCCCCCAGCAACCCACCGTCCTCATCCCACCAGCATC-3'
Protein context (NP_079353.3, residues 269-289): EFCNYPSSMR[Asp279=]HIDYRCCLPP

ClinVar aggregate classification (germline): Likely benign. Review status: criteria provided, multiple submitters, no conflicts (2 of 4 stars). 2 submissions from 2 submitters: Likely benign (2). Last evaluated 2026-01-01.

Allele frequency attached by ClinVar (database versions not stated): ESP Exome Variant Server 0.00015; gnomAD 0.00017; TOPMed 0.00017; gnomAD exomes 0.00031; ExAC 0.00067.

Submissions (2):

CeGaT Center for Human Genetics Tuebingen
Classification: Likely benign. Last evaluated: 2026-01-01. Review status: criteria provided, single submitter. Criteria: CeGaT Center For Human Genetics Tuebingen Variant Classification Criteria Version 2. Collection method: clinical testing. Allele origin: germline. Affected: yes. Observed: 1 variant allele.
Comment: TOE1: BP4, BP7

Labcorp Genetics (formerly Invitae), Labcorp
Classification: Likely benign. Last evaluated: 2024-10-15. Review status: criteria provided, single submitter. Criteria: Invitae Variant Classification Sherloc (09022015). Collection method: clinical testing. Allele origin: germline.